The following is an entry in ClinVar:

ClinVar aggregate classification (germline): Likely pathogenic (1 of 4 stars; one submission).

Conditions:
Junctional epidermolysis bullosa gravis of Herlitz. Also called: Herlitz-type junctional epidermolysis bullosa; Epidermolysis Bullosa Letalis; EPIDERMOLYSIS BULLOSA, JUNCTIONAL 1B, SEVERE; EPIDERMOLYSIS BULLOSA JUNCTIONALIS, HERLITZ TYPE; EPIDERMOLYSIS BULLOSA, JUNCTIONAL, HERLITZ-PEARSON TYPE; JEB-HERLITZ TYPE. Identifiers: Orphanet 79404, MedGen C0079683, MONDO:0009182, OMIM 226700.

Allele frequency attached by ClinVar (database versions not stated): gnomAD exomes below 0.00001.

Submission:

Myriad Genetics, Inc.
Classification: Likely pathogenic for Junctional epidermolysis bullosa gravis of Herlitz. Last evaluated: 2019-12-18. Review status: criteria provided, single submitter. Criteria: Myriad Women's Health Autosomal Recessive and X-Linked Classification Criteria (2019). Collection method: clinical testing. Allele origin: unknown.
Comment: NM_005562.2(LAMC2):c.2838T>G(Y946*) is expected to be pathogenic in the context of junctional epidermolysis bullosa, LAMC2-related. This variant is predicted to lead to an abnormal or absent protein product due to the creation of a premature termination codon in LAMC2, a gene where loss-of-function variants are known to be pathogenic. Please note: this variant was assessed in the context of healthy population screening.

NM_005562.3(LAMC2):c.2838T>G (p.Tyr946Ter)

Gene: LAMC2 (laminin subunit gamma 2; plus strand). Cytogenetic location: 1q25.3.
Variant type: single nucleotide variant.
Coding change: c.2838T>G on transcript NM_005562.3 (MANE Select); coding-DNA position 2838, T replaced by G.
Protein change: p.Tyr946Ter; replaces tyrosine 946 with a stop codon.
Molecular consequence: nonsense.
Genome position (GRCh38, 1-based): chr1:183,238,390, T>G. VCF-style: chr1-183238390-T-G. GRCh37 (hg19) VCF-style: chr1-183207525-T-G.
Other names: c.2838T>G, p.Tyr946Ter (NM_018891.3); short protein forms Y946*.
Identifiers: ClinVar variation 983668 (VCV000983668.3), dbSNP rs1173478186, ClinGen allele CA343699300.
Genomic context (GRCh38, chr1:183,238,390, plus strand): 5'-TGCCAATCTTGCTAAAAGCAGAGCACAAGAAGCACTGAGTATGGGCAATGCCACTTTTTA[T>G]GAAGTTGAGAGCATCCTTAAAAACCTCAGAGGTTAGTACTTCATGGTTCAGGTCACTTGA-3'